The following continues an entry in ClinVar:

NM_007194.4(CHEK2):c.-4C>T

Gene: CHEK2. ClinVar aggregate classification (germline): Conflicting classifications of pathogenicity. Uncertain significance (11); Likely benign (1).

Submissions 11 to 17 of 17:

Mendelics
Classification: Uncertain significance for Familial cancer of breast. Last evaluated: 2018-07-02. Review status: criteria provided, single submitter. Criteria: Mendelics Assertion Criteria 2017. Collection method: clinical testing. Allele origin: unknown.

Color Diagnostics, LLC DBA Color Health
Classification: Likely benign for Hereditary cancer-predisposing syndrome. Last evaluated: 2016-10-26. Review status: criteria provided, single submitter. Criteria: ACMG Guidelines, 2015. Collection method: clinical testing. Allele origin: germline.

PreventionGenetics, part of Exact Sciences
Classification: Likely benign for CHEK2-related condition. Last evaluated: 2019-07-09. Review status: no assertion criteria provided. Collection method: clinical testing. Allele origin: germline. Not counted in ClinVar's aggregate classification.
Comment: This variant is classified as likely benign based on ACMG/AMP sequence variant interpretation guidelines (Richards et al. 2015 PMID: 25741868, with internal and published modifications).

Counsyl
Classification: Uncertain significance for Familial cancer of breast. Last evaluated: 2016-09-20. Review status: no assertion criteria provided. Collection method: clinical testing. Allele origin: unknown. Not counted in ClinVar's aggregate classification.

Department of Pathology and Laboratory Medicine, Sinai Health System
Classification: Uncertain significance for Familial ovarian cancer. Review status: no assertion criteria provided. Collection method: clinical testing. Allele origin: unknown. Affected: yes. Study: The Canadian Open Genetics Repository (COGR). Not counted in ClinVar's aggregate classification.
Comment: The CHEK2 c.-4C>T variant was identified in 1 of 238 proband chromosomes (frequency: 0.004) from individuals or families with ovarian cancer and was not identified in 516 control chromosomes from healthy individuals (Williams 2006). The variant was also identified in dbSNP (ID: rs374938148) as "With Uncertain significance allele" and ClinVar (classified as uncertain significance by GeneDx, Ambry Genetics, Counsyl, and Integrated Genetics/Laboratory Corporation of America). The variant was not identified in Cosmic, or Zhejiang University databases. The variant was identified in control databases in 15 of 238966 chromosomes at a frequency of 0.00006 (Genome Aggregation Database Feb 27, 2017). The variant was observed in the following populations: African in 1 of 14970 chromosomes (freq: 0.00007), European in 13 of 105550 chromosomes (freq: 0.0001), and South Asian in 1 of 30676 chromosomes (freq: 0.00003), while the variant was not observed in the Other, Latino, Ashkenazi Jewish, East Asian, or Finnish populations. The c.-4C>T variant is located in the Kozak consensus sequence, and although typically the -4 position is a cytosine it is known to be variable. One study showed this variant resulted in weak CHEK2 immunoreactivity in an ovarian tumour sample (Williams 2006). In summary, based on the above information, the clinical significance of this variant cannot be determined with certainty at this time. This variant is classified as a variant of uncertain significance.

Diagnostic Laboratory, Department of Genetics, University Medical Center Groningen
Classification: Uncertain significance. Review status: no assertion criteria provided. Collection method: clinical testing. Allele origin: germline. Affected: yes. Study: VKGL Data-share Consensus. Not counted in ClinVar's aggregate classification.

Joint Genome Diagnostic Labs from Nijmegen and Maastricht, Radboudumc and MUMC+
Classification: Uncertain significance. Review status: no assertion criteria provided. Collection method: clinical testing. Allele origin: germline. Affected: yes. Study: VKGL Data-share Consensus. Not counted in ClinVar's aggregate classification.

Literature cited by the submitters: PubMed 17145815 (cited by 6 submitters); PubMed 21681852 (cited by 3 submitters); PubMed 28779002 (cited by 5 submitters); PubMed 34371384 (cited by Women's Health and Genetics/Laboratory Corporation of America, LabCorp and Quest Diagnostics Nichols Institute San Juan Capistrano); PubMed 35264596 (cited by 4 submitters); PubMed 35896598 (cited by Women's Health and Genetics/Laboratory Corporation of America, LabCorp and Quest Diagnostics Nichols Institute San Juan Capistrano); PubMed 35886069 (cited by 3 submitters); PubMed 34326862 (cited by Women's Health and Genetics/Laboratory Corporation of America, LabCorp and Ambry Genetics); PubMed 35534704 (cited by Women's Health and Genetics/Laboratory Corporation of America, LabCorp and Quest Diagnostics Nichols Institute San Juan Capistrano); PubMed 39590369 (cited by Women's Health and Genetics/Laboratory Corporation of America, LabCorp); PubMed 4326862 (cited by Labcorp Genetics (formerly Invitae), Labcorp).